The following is an entry in ClinVar:

NM_001110556.2(FLNA):c.85C>T (p.Pro29Ser)

Gene: FLNA (filamin A; minus strand). Cytogenetic location: Xq28.
Variant type: single nucleotide variant.
Coding change: c.85C>T on transcript NM_001110556.2 (MANE Select); coding-DNA position 85, C replaced by T.
Protein change: p.Pro29Ser; replaces proline 29 with serine.
Molecular consequence: missense variant.
Genome position (GRCh38, 1-based): chrX:154,371,161, G>A on the plus strand (C>T on the coding strand, the complement: FLNA is on the minus strand). VCF-style: chrX-154371161-G-A. GRCh37 (hg19) VCF-style: chrX-153599529-G-A.
Other names: c.85C>T, p.Pro29Ser (NM_001456.4); short protein forms P29S.
Identifiers: ClinVar variation 3753117 (VCV003753117.2).

ClinVar aggregate classification (germline): Uncertain significance (1 of 4 stars; one submission).

Conditions:
Melnick-Needles syndrome (MNS). Also called: MELNICK-NEEDLES OSTEODYSPLASTY; OSTEODYSPLASTY OF MELNICK AND NEEDLES; Melnick-Needles Syndrome (FLNA-MNS). Identifiers: Orphanet 2484, MedGen C0025237, MONDO:0010650, OMIM 309350.
Frontometaphyseal dysplasia (FMD1). Identifiers: Orphanet 1826, MedGen C0265293, MONDO:0015942.
Heterotopia, periventricular, X-linked dominant (PVNH1). Also called: PERIVENTRICULAR NODULAR HETEROTOPIA 1; X-linked periventricular heterotopia; PERIVENTRICULAR NODULAR HETEROTOPIA 4; HETEROTOPIA, PERIVENTRICULAR, 1. Identifiers: Orphanet 2149, Orphanet 82004, MedGen C1848213, MONDO:0010233, OMIM 300049.
Oto-palato-digital syndrome, type II (OPD2). Also called: FACIOPALATOOSSEOUS SYNDROME; OPD II SYNDROME; Otopalatodigital Syndrome, Type II; Otopalatodigital Syndrome Type 2 (FLNA-OPD2). Identifiers: Orphanet 669, Orphanet 90652, MedGen C1844696, MONDO:0010571, OMIM 304120.

Submission:

Labcorp Genetics (formerly Invitae), Labcorp
Classification: Uncertain significance for Oto-palato-digital syndrome, type II; Heterotopia, periventricular, X-linked dominant; Frontometaphyseal dysplasia; Melnick-Needles syndrome. Last evaluated: 2024-09-15. Review status: criteria provided, single submitter. Criteria: Invitae Variant Classification Sherloc (09022015). Collection method: clinical testing. Allele origin: germline.
Comment: This sequence change replaces proline, which is neutral and non-polar, with serine, which is neutral and polar, at codon 29 of the FLNA protein (p.Pro29Ser). This variant is not present in population databases (gnomAD no frequency). This variant has not been reported in the literature in individuals affected with FLNA-related conditions. Invitae Evidence Modeling of protein sequence and biophysical properties (such as structural, functional, and spatial information, amino acid conservation, physicochemical variation, residue mobility, and thermodynamic stability) indicates that this missense variant is not expected to disrupt FLNA protein function with a negative predictive value of 95%. In summary, the available evidence is currently insufficient to determine the role of this variant in disease. Therefore, it has been classified as a Variant of Uncertain Significance.